The following is an entry in ClinVar:

NM_003922.4(HERC1):c.13373G>A (p.Arg4458His)

Gene: HERC1 (HECT and RLD domain containing E3 ubiquitin protein ligase family member 1; minus strand). Cytogenetic location: 15q22.31.
Variant type: single nucleotide variant.
Coding change: c.13373G>A on transcript NM_003922.4 (MANE Select); coding-DNA position 13373, G replaced by A.
Protein change: p.Arg4458His; replaces arginine 4458 with histidine.
Molecular consequence: missense variant.
Genome position (GRCh38, 1-based): chr15:63,624,230, C>T on the plus strand (G>A on the coding strand, the complement: HERC1 is on the minus strand). VCF-style: chr15-63624230-C-T. GRCh37 (hg19) VCF-style: chr15-63916429-C-T.
Other names: short protein forms R4458H.
Identifiers: ClinVar variation 1964432 (VCV001964432.4), dbSNP rs372316431, ClinGen allele CA7603749.

ClinVar aggregate classification (germline): Uncertain significance (1 of 4 stars; one submission).

Allele frequency attached by ClinVar (database versions not stated): gnomAD 0.00001; gnomAD exomes 0.00001; ExAC 0.00002; ESP Exome Variant Server 0.00008.
gnomAD v4.1: 22 of 1,613,646 alleles (0.0014%); highest among the groups gnomAD compares: South Asian, 0.0022%; no homozygotes.

Submission:

Labcorp Genetics (formerly Invitae), Labcorp
Classification: Uncertain significance. Last evaluated: 2024-10-15. Review status: criteria provided, single submitter. Criteria: Invitae Variant Classification Sherloc (09022015). Collection method: clinical testing. Allele origin: germline.
Comment: This sequence change replaces arginine, which is basic and polar, with histidine, which is basic and polar, at codon 4458 of the HERC1 protein (p.Arg4458His). This variant is present in population databases (rs372316431, gnomAD 0.003%). This variant has not been reported in the literature in individuals affected with HERC1-related conditions. ClinVar contains an entry for this variant (Variation ID: 1964432). Invitae Evidence Modeling of protein sequence and biophysical properties (such as structural, functional, and spatial information, amino acid conservation, physicochemical variation, residue mobility, and thermodynamic stability) indicates that this missense variant is expected to disrupt HERC1 protein function with a positive predictive value of 80%. In summary, the available evidence is currently insufficient to determine the role of this variant in disease. Therefore, it has been classified as a Variant of Uncertain Significance.